The following is an entry in ClinVar:

ClinVar aggregate classification (germline): Uncertain significance (1 of 4 stars; one submission).

Allele frequency attached by ClinVar (database versions not stated): gnomAD exomes below 0.00001.
gnomAD v4.1: 1 of 1,613,756 alleles (0.000062%); highest among the groups gnomAD compares: South Asian, 0.0011%; no homozygotes.

Submission:

Ambry Genetics
Classification: Uncertain significance. Last evaluated: 2022-10-11. Review status: criteria provided, single submitter. Criteria: Ambry Variant Classification Scheme 2023. Collection method: clinical testing. Allele origin: germline.
Comment: The p.M639T variant (also known as c.1916T>C), located in coding exon 12 of the POLQ gene, results from a T to C substitution at nucleotide position 1916. The methionine at codon 639 is replaced by threonine, an amino acid with similar properties. This amino acid position is conserved. In addition, this alteration is predicted to be tolerated by in silico analysis. Since supporting evidence is limited at this time, the clinical significance of this alteration remains unclear.

NM_199420.4(POLQ):c.1916T>C (p.Met639Thr)

Gene: POLQ (DNA polymerase theta; minus strand). Cytogenetic location: 3q13.33.
Variant type: single nucleotide variant.
Coding change: c.1916T>C on transcript NM_199420.4 (MANE Select); coding-DNA position 1916, T replaced by C.
Protein change: p.Met639Thr; replaces methionine 639 with threonine.
Molecular consequence: missense variant.
Genome position (GRCh38, 1-based): chr3:121,509,604, A>G on the plus strand (T>C on the coding strand, the complement: POLQ is on the minus strand). VCF-style: chr3-121509604-A-G. GRCh37 (hg19) VCF-style: chr3-121228451-A-G.
Other names: short protein forms M639T.
Identifiers: ClinVar variation 1782592 (VCV001782592.2), dbSNP rs2048236350, ClinGen allele CA354113426.
Genomic context (GRCh38, chr3:121,509,604, plus strand): 5'-GTTAAAACAGAACTTACCAGATAGAGAATATGAAGATCATTCTCTAAAACAAAGCCCTTC[A>G]TTGCTCTTTGCAGGTCAGCAAAAATATCTAAAGTATCAGCTGGAGAAAGTGAAGAAGAAA-3'
Protein context (NP_955452.3, residues 629-649): LDIFADLQRA[Met639Thr]KGFVLENDLH